The following is an entry in ClinVar:

ClinVar aggregate classification (germline): Uncertain significance. Review status: criteria provided, multiple submitters, no conflicts (2 of 4 stars). 2 submissions from 2 submitters: Uncertain significance (2). Last evaluated 2026-06-20.

Conditions:
Hereditary cancer-predisposing syndrome. Also called: Hereditary Cancer Syndrome; Neoplastic Syndromes, Hereditary; Hereditary neoplastic syndrome; Tumor predisposition. Identifiers: Orphanet 140162, MedGen C0027672, MeSH D009386, MONDO:0015356.

Submissions (2):

Ambry Genetics
Classification: Uncertain significance for Hereditary cancer-predisposing syndrome. Last evaluated: 2026-06-20. Review status: criteria provided, single submitter. Criteria: Ambry Variant Classification Scheme 2023. Collection method: clinical testing. Allele origin: germline.
Comment: The p.A2030S variant (also known as c.6088G>T), located in coding exon 44 of the POLE gene, results from a G to T substitution at nucleotide position 6088. The alanine at codon 2030 is replaced by serine, an amino acid with similar properties. This amino acid position is conserved. In addition, this alteration is predicted to be tolerated by in silico analysis. Based on the available evidence, the clinical significance of this variant remains unclear.

Labcorp Genetics (formerly Invitae), Labcorp
Classification: Uncertain significance. Last evaluated: 2021-11-02. Review status: criteria provided, single submitter. Criteria: Invitae Variant Classification Sherloc (09022015). Collection method: clinical testing. Allele origin: germline.
Comment: In summary, the available evidence is currently insufficient to determine the role of this variant in disease. Therefore, it has been classified as a Variant of Uncertain Significance. Algorithms developed to predict the effect of missense changes on protein structure and function output the following: SIFT: "Tolerated"; PolyPhen-2: "Benign"; Align-GVGD: "Class C0". The serine amino acid residue is found in multiple mammalian species, which suggests that this missense change does not adversely affect protein function. This variant has not been reported in the literature in individuals affected with POLE-related conditions. This variant is not present in population databases (gnomAD no frequency). This sequence change replaces alanine, which is neutral and non-polar, with serine, which is neutral and polar, at codon 2030 of the POLE protein (p.Ala2030Ser).

NM_006231.4(POLE):c.6088G>T (p.Ala2030Ser)

Gene: POLE (DNA polymerase epsilon, catalytic subunit; minus strand). Cytogenetic location: 12q24.33.
Variant type: single nucleotide variant.
Coding change: c.6088G>T on transcript NM_006231.4 (MANE Select); coding-DNA position 6088, G replaced by T.
Protein change: p.Ala2030Ser; replaces alanine 2030 with serine.
Molecular consequence: missense variant.
Genome position (GRCh38, 1-based): chr12:132,632,712, C>A on the plus strand (G>T on the coding strand, the complement: POLE is on the minus strand). VCF-style: chr12-132632712-C-A. GRCh37 (hg19) VCF-style: chr12-133209298-C-A.
Other names: c.6088G>T (NM_006231.2); short protein forms A2030S.
Identifiers: ClinVar variation 1403535 (VCV001403535.7), dbSNP rs1036832006, ClinGen allele CA387370541.